The following is an entry in ClinVar:

ClinVar aggregate classification (germline): Uncertain significance. Review status: criteria provided, multiple submitters, no conflicts (2 of 4 stars). 2 submissions from 2 submitters: Uncertain significance (2). Last evaluated 2025-10-27.

Conditions:
Intellectual developmental disorder with seizures and language delay (IDDSELD). Identifiers: MedGen C5436574, MONDO:0033559, OMIM 619000.

Submissions (2):

Dasa
Classification: Uncertain significance for Intellectual developmental disorder with seizures and language delay. Last evaluated: 2025-10-27. Review status: criteria provided, single submitter. Criteria: DASA Assertion Criteria. Collection method: clinical testing. Allele origin: germline.
Comment: NM_001353345.2(SETD1B):c.976G>A (p.Glu326Lys) is a missense variant that results in the substitution of glutamic acid with lysine. This variant is rare in population databases. The currently available literature and clinical evidence are not sufficient to establish a definitive association between this variant and the reported condition. Therefore, this variant is classified as a variant of uncertain significance.

GeneDx
Classification: Uncertain significance. Last evaluated: 2025-01-16. Review status: criteria provided, single submitter. Criteria: GeneDx Variant Classification Process June 2021. Collection method: clinical testing. Allele origin: germline.
Comment: Not observed at significant frequency in large population cohorts (gnomAD); In silico analysis indicates that this missense variant does not alter protein structure/function; Has not been previously published as pathogenic or benign to our knowledge

NM_001353345.2(SETD1B):c.976G>A (p.Glu326Lys)

Gene: SETD1B (SET domain containing 1B, histone lysine methyltransferase; plus strand). Cytogenetic location: 12q24.31.
Variant type: single nucleotide variant.
Coding change: c.976G>A on transcript NM_001353345.2 (MANE Select); coding-DNA position 976, G replaced by A.
Protein change: p.Glu326Lys; replaces glutamic acid 326 with lysine.
Molecular consequence: missense variant.
Genome position (GRCh38, 1-based): chr12:121,809,921, G>A. VCF-style: chr12-121809921-G-A. GRCh37 (hg19) VCF-style: chr12-122247827-G-A.
Other names: short protein forms E326K.
Identifiers: ClinVar variation 2662812 (VCV002662812.3), dbSNP rs2500183311, ClinGen allele CA386990621.